The following is an entry in ClinVar:

NM_000254.3(MTR):c.-16GAG[1]

Gene: MTR (5-methyltetrahydrofolate-homocysteine methyltransferase; plus strand). Cytogenetic location: 1q43.
Variant type: Microsatellite.
Coding change: c.-16GAG[1] on transcript NM_000254.3 (MANE Select); one copy of the 3-base unit GAG starting at c.-16; the reference has two copies in a row; one copy, 3 bases deleted.
Molecular consequence: 5 prime UTR variant.
Genome position (GRCh38, 1-based): chr1:236,795,691-236,795,693, GAG deleted; deleting any 3 consecutive bases within chr1:236,795,686-236,795,693 gives the same sequence; the position shown is the placement nearest the transcript's 3' end. VCF-style (leftmost placement, unchanged base first): chr1-236795685-AAGG-A. GRCh37 (hg19) VCF-style: chr1-236958985-AAGG-A.
Other names: c.-16GAG[1] (NM_001291939.1); c.-1124GAG[1] (NM_001291940.2); c.-13_-11delGAG (NM_000254.2).
Identifiers: ClinVar variation 420357 (VCV000420357.1), dbSNP rs1064794430, ClinGen allele CA16617094.

ClinVar aggregate classification (germline): Likely benign (1 of 4 stars; one submission).

Submission:

GeneDx
Classification: Likely benign. Last evaluated: 2016-02-11. Review status: criteria provided, single submitter. Criteria: GeneDx Variant Classification (06012015). Collection method: clinical testing. Allele origin: germline. Affected: yes.
Comment: This variant is considered likely benign or benign based on one or more of the following criteria: it is a conservative change, it occurs at a poorly conserved position in the protein, it is predicted to be benign by multiple in silico algorithms, and/or has population frequency not consistent with disease.